The following is an entry in ClinVar:

NM_000276.4(OCRL):c.2311dup (p.Cys771fs)

Gene: OCRL (OCRL inositol polyphosphate-5-phosphatase; plus strand). Cytogenetic location: Xq26.1.
Variant type: Duplication.
Coding change: c.2311dup on transcript NM_000276.4 (MANE Select); coding-DNA position 2311, one base duplicated (T; older notation c.2311dupT).
Protein change: p.Cys771fs; shifts the reading frame from cysteine 771.
Molecular consequence: frameshift variant.
Genome position (GRCh38, 1-based): chrX:129,588,233, T duplicated; the last of 2 consecutive T bases (chrX:129,588,232-129,588,233); duplicating either gives the same sequence. VCF-style (leftmost placement, unchanged base first): chrX-129588231-A-AT. GRCh37 (hg19) VCF-style: chrX-128722208-A-AT.
Other names: c.2314dup, p.Cys772fs (NM_001318784.2); c.2287dup, p.Cys763fs (NM_001587.4); short protein forms C763fs, C771fs, C772fs.
Identifiers: ClinVar variation 4530029 (VCV004530029.1).

ClinVar aggregate classification (germline): Likely pathogenic (1 of 4 stars; one submission).

Conditions:
Lowe syndrome (OCRL). Also called: LOWE OCULOCEREBRORENAL SYNDROME; PHOSPHATIDYLINOSITOL 4,5-BISPHOSPHATE 5-PHOSPHATASE DEFICIENCY; Oculocerebrorenal Syndrome. Identifiers: Orphanet 534, MedGen C0028860, MONDO:0010645, OMIM 309000.

Submission:

Kasturba Medical College, Manipal, Kasturba Medical College, Manipal, Manipal Academy of Higher Education, Manipal, India
Classification: Likely pathogenic for Lowe syndrome. Last evaluated: 2025-11-17. Review status: criteria provided, single submitter. Criteria: ACMG Guidelines, 2015. Collection method: research. Allele origin: maternal. Inheritance: X-linked inheritance. Affected: yes.
Comment: The variant is absent in population database. The frameshift and premature truncation of protein p.(Cys771fs*8) was identified and predicted to cause NMD. The variant is associated to Lowe oculocerebrorenal syndrome.